The following is an entry in ClinVar:

ClinVar aggregate classification (germline): Uncertain significance (1 of 4 stars; one submission).

Conditions:
Atypical glycine encephalopathy. Also called: Glycine encephalopathy with normal serum glycine. Identifiers: Orphanet 289863, MedGen C4310943, MONDO:0015010, OMIM 617301.

Submission:

Labcorp Genetics (formerly Invitae), Labcorp
Classification: Uncertain significance for Atypical glycine encephalopathy. Last evaluated: 2020-12-18. Review status: criteria provided, single submitter. Criteria: Invitae Variant Classification Sherloc (09022015). Collection method: clinical testing. Allele origin: germline.
Comment: In summary, the available evidence is currently insufficient to determine the role of this variant in disease. Therefore, it has been classified as a Variant of Uncertain Significance. Algorithms developed to predict the effect of sequence changes on RNA splicing suggest that this variant may create or strengthen a splice site, but this prediction has not been confirmed by published transcriptional studies. This variant has not been reported in the literature in individuals with SLC6A9-related conditions. This variant is not present in population databases (ExAC no frequency). This sequence change affects codon 607 of the SLC6A9 mRNA. It is a 'silent' change, meaning that it does not change the encoded amino acid sequence of the SLC6A9 protein.

NM_001024845.3(SLC6A9):c.1602C>T (p.Gly534=)

Gene: SLC6A9 (solute carrier family 6 member 9; minus strand). Cytogenetic location: 1p34.1.
Variant type: single nucleotide variant.
Coding change: c.1602C>T on transcript NM_001024845.3 (MANE Select); coding-DNA position 1602, C replaced by T.
Protein change: p.Gly534=; no amino-acid change (glycine 534 retained).
Molecular consequence: synonymous variant. On other transcripts: non-coding transcript variant (1), intron variant (1).
Genome position (GRCh38, 1-based): chr1:43,997,960, G>A on the plus strand (C>T on the coding strand, the complement: SLC6A9 is on the minus strand). VCF-style: chr1-43997960-G-A. GRCh37 (hg19) VCF-style: chr1-44463632-G-A.
Other names: c.1614C>T, p.Gly538= (NM_001261380.2); c.1269C>T, p.Gly423= (NM_001328626.2); c.1539C>T, p.Gly513= (NM_001328627.1); c.1407C>T, p.Gly469= (NM_001328628.1); c.1602C>T, p.Gly534= (NM_001328629.1); c.1659C>T, p.Gly553= (NM_006934.4); c.1821C>T, p.Gly607= (NM_201649.4); c.1204-221C>T (NM_001328630.2).
Identifiers: ClinVar variation 1007399 (VCV001007399.8), dbSNP rs2085936509, ClinGen allele CA417557796.